The following is an entry in ClinVar:

NM_182961.4(SYNE1):c.18080A>G (p.Glu6027Gly)

Gene: SYNE1 (spectrin repeat containing nuclear envelope protein 1; minus strand). Cytogenetic location: 6q25.2.
Variant type: single nucleotide variant.
Coding change: c.18080A>G on transcript NM_182961.4 (MANE Select); coding-DNA position 18080, A replaced by G.
Protein change: p.Glu6027Gly; replaces glutamic acid 6027 with glycine.
Molecular consequence: missense variant.
Genome position (GRCh38, 1-based): chr6:152,284,105, T>C on the plus strand (A>G on the coding strand, the complement: SYNE1 is on the minus strand). VCF-style: chr6-152284105-T-C. GRCh37 (hg19) VCF-style: chr6-152605240-T-C.
Other names: c.17867A>G, p.Glu5956Gly (NM_033071.5); short protein forms E5956G, E6027G.
Identifiers: ClinVar variation 451231 (VCV000451231.10), dbSNP rs780920250, ClinGen allele CA150184293.

ClinVar aggregate classification (germline): Uncertain significance. Review status: criteria provided, multiple submitters, no conflicts (2 of 4 stars). 2 submissions from 2 submitters: Uncertain significance (2). Last evaluated 2024-10-23.

Conditions:
Emery-Dreifuss muscular dystrophy 4, autosomal dominant (EDMD4). Also called: EMERY-DREIFUSS MUSCULAR DYSTROPHY 4 WITH VARIABLE FEATURES. Identifiers: Orphanet 261, MedGen C2751807, MONDO:0013071, OMIM 612998.
Autosomal recessive ataxia, Beauce type. Also called: Spinocerebellar ataxia, autosomal recessive 8; ATAXIA, RECESSIVE, OF BEAUCE; SYNE1-Related Autosomal Recessive Cerebellar Ataxia; SYNE1 Deficiency. Identifiers: Orphanet 88644, MedGen C1853116, MONDO:0012549, OMIM 610743.

gnomAD v4.1: 1 of 1,614,104 alleles (0.000062%); highest among the groups gnomAD compares: Admixed American, 0.0017%; no homozygotes.

Submissions (2):

Labcorp Genetics (formerly Invitae), Labcorp
Classification: Uncertain significance for Emery-Dreifuss muscular dystrophy 4, autosomal dominant; Autosomal recessive ataxia, Beauce type. Last evaluated: 2024-10-23. Review status: criteria provided, single submitter. Criteria: Invitae Variant Classification Sherloc (09022015). Collection method: clinical testing. Allele origin: germline.
Comment: This sequence change replaces glutamic acid, which is acidic and polar, with glycine, which is neutral and non-polar, at codon 5956 of the SYNE1 protein (p.Glu5956Gly). This variant is present in population databases (no rsID available, gnomAD 0.003%). This variant has not been reported in the literature in individuals affected with SYNE1-related conditions. ClinVar contains an entry for this variant (Variation ID: 451231). An algorithm developed to predict the effect of missense changes on protein structure and function (PolyPhen-2) suggests that this variant is likely to be disruptive. In summary, the available evidence is currently insufficient to determine the role of this variant in disease. Therefore, it has been classified as a Variant of Uncertain Significance.

GeneDx
Classification: Uncertain significance. Last evaluated: 2017-08-03. Review status: criteria provided, single submitter. Criteria: GeneDx Variant Classification (06012015). Collection method: clinical testing. Allele origin: germline. Affected: yes.
Comment: The E5956G variant has not been published as a pathogenic variant, nor has it been reported as a benign variant to our knowledge. The E5956G variant is not observed in large population cohorts (Lek et al., 2016; 1000 Genomes Consortium et al., 2015; Exome Variant Server). The E5956G variant is a non-conservative amino acid substitution, which is likely to impact secondary protein structure as these residues differ in polarity, charge, size and/or other properties. This substitution occurs at a position where amino acids with similar properties to Glutamic acid are tolerated across species. In silico analysis predicts this variant is probably damaging to the protein structure/function. Based on the currently available information, it is unclear whether this variant is a pathogenic variant or a rare benign variant.